The following is an entry in ClinVar:

ClinVar aggregate classification (germline): Uncertain significance (1 of 4 stars; one submission).

Submission:

GeneDx
Classification: Uncertain significance. Last evaluated: 2026-02-05. Review status: criteria provided, single submitter. Criteria: GeneDx Variant Classification Process June 2021. Collection method: clinical testing. Allele origin: germline.
Comment: Not observed at significant frequency in large population cohorts (gnomAD); In silico analysis suggests that this missense variant does not alter protein structure/function; Has not been previously published as pathogenic or benign to our knowledge

NM_001379029.1(CERT1):c.1542G>T (p.Lys514Asn)

Gene: CERT1 (ceramide transporter 1; minus strand). Cytogenetic location: 5q13.3.
Variant type: single nucleotide variant.
Coding change: c.1542G>T on transcript NM_001379029.1 (MANE Select); coding-DNA position 1542, G replaced by T.
Protein change: p.Lys514Asn; replaces lysine 514 with asparagine.
Molecular consequence: missense variant.
Genome position (GRCh38, 1-based): chr5:75,382,024, C>A on the plus strand (G>T on the coding strand, the complement: CERT1 is on the minus strand). VCF-style: chr5-75382024-C-A. GRCh37 (hg19) VCF-style: chr5-74677849-C-A.
Other names: c.1926G>T, p.Lys642Asn (NM_001130105.1); c.1542G>T, p.Lys514Asn (NM_001379002.1, NM_005713.3); c.1464G>T, p.Lys488Asn (NM_001379003.1, NM_001379004.1, NM_031361.3); short protein forms K488N, K514N, K642N.
Identifiers: ClinVar variation 4975960 (VCV004975960.1).
Genomic context (GRCh38, chr5:75,382,024, plus strand): 5'-ATCCACAGAAAAATTACAAACTATCCAAGTTTCAGGGTCATTTTCAGTCAAGGCTGGTAT[C>A]TTTCGAATGACAGAAAGATATAATACGTCTCGCTGAGAAGCAGGCCACACCCTCTGTGGA-3'
Protein context (NP_001365958.1, residues 504-524): RDVLYLSVIR[Lys514Asn]IPALTENDPE